The following is an entry in ClinVar:

NM_022081.6(HPS4):c.373C>G (p.Leu125Val)

Gene: HPS4 (HPS4 biogenesis of lysosomal organelles complex 3 subunit 2; minus strand). Cytogenetic location: 22q12.1.
Variant type: single nucleotide variant.
Coding change: c.373C>G on transcript NM_022081.6 (MANE Select); coding-DNA position 373, C replaced by G.
Protein change: p.Leu125Val; replaces leucine 125 with valine.
Molecular consequence: missense variant. On other transcripts: non-coding transcript variant (8).
Genome position (GRCh38, 1-based): chr22:26,472,843, G>C on the plus strand (C>G on the coding strand, the complement: HPS4 is on the minus strand). VCF-style: chr22-26472843-G-C. GRCh37 (hg19) VCF-style: chr22-26868809-G-C.
Other names: c.373C>G, p.Leu125Val (NM_001349896.1, NM_001349898.2, NM_001349899.2 and 6 more transcripts); c.358C>G, p.Leu120Val (NM_152841.2); short protein forms L120V, L125V.
Identifiers: ClinVar variation 341021 (VCV000341021.17), dbSNP rs180729981, ClinGen allele CA10163739.

ClinVar aggregate classification (germline): Conflicting classifications of pathogenicity. Review status: criteria provided, conflicting classifications (1 of 4 stars). 3 submissions from 3 submitters: Uncertain significance (1); Likely benign (2). Last evaluated 2025-12-28.

Conditions:
HPS4-related disorder. Also called: HPS4-related condition.

Allele frequency attached by ClinVar (database versions not stated): gnomAD 0.00009 and 0.00015; TOPMed 0.00019; ExAC 0.00024; gnomAD exomes 0.00033; 1000 Genomes Project 0.00100; 1000 Genomes Project 30x 0.00109.
gnomAD v4.1: 170 of 1,613,568 alleles (0.011%); highest among the groups gnomAD compares: East Asian, 0.37%; no homozygotes.

Submissions (3):

Labcorp Genetics (formerly Invitae), Labcorp
Classification: Likely benign. Last evaluated: 2025-12-28. Review status: criteria provided, single submitter. Criteria: Invitae Variant Classification Sherloc (09022015). Collection method: clinical testing. Allele origin: germline.

PreventionGenetics, part of Exact Sciences
Classification: Likely benign for HPS4-related condition. Last evaluated: 2025-03-27. Review status: criteria provided, single submitter. Criteria: ACMG Guidelines, 2015. Collection method: clinical testing. Allele origin: germline.
Comment: This variant is classified as likely benign based on ACMG/AMP sequence variant interpretation guidelines (Richards et al. 2015 PMID: 25741868, with internal and published modifications).

Genetic Services Laboratory, University of Chicago
Classification: Uncertain significance. Last evaluated: 2016-03-06. Review status: criteria provided, single submitter. Criteria: ACMG Guidelines, 2015. Collection method: clinical testing. Allele origin: germline. Affected: no.